The following is an entry in ClinVar:

ClinVar aggregate classification (germline): Likely benign (0 of 4 stars; one submission).

Conditions:
BCAM-related disorder. Also called: BCAM-related condition.

Allele frequency attached by ClinVar (database versions not stated): 1000 Genomes Project 0.00300; 1000 Genomes Project 30x 0.00312; TOPMed 0.00825; ESP Exome Variant Server 0.00874; ExAC 0.00956.
gnomAD v4.1: 16,395 of 1,610,918 alleles (1%); highest among the groups gnomAD compares: Middle Eastern, 2%; 142 homozygotes.

Submission:

PreventionGenetics, part of Exact Sciences
Classification: Likely benign for BCAM-related condition. Last evaluated: 2019-10-21. Review status: no assertion criteria provided. Collection method: clinical testing. Allele origin: germline.
Comment: This variant is classified as likely benign based on ACMG/AMP sequence variant interpretation guidelines (Richards et al. 2015 PMID: 25741868, with internal and published modifications).

NM_005581.5(BCAM):c.611T>A (p.Met204Lys)

Gene: BCAM (basal cell adhesion molecule (Lutheran blood group); plus strand). Cytogenetic location: 19q13.32.
Variant type: single nucleotide variant.
Coding change: c.611T>A on transcript NM_005581.5 (MANE Select); coding-DNA position 611, T replaced by A.
Protein change: p.Met204Lys; replaces methionine 204 with lysine.
Molecular consequence: missense variant.
Genome position (GRCh38, 1-based): chr19:44,813,447, T>A. VCF-style: chr19-44813447-T-A. GRCh37 (hg19) VCF-style: chr19-45316704-T-A.
Other names: c.611T>A, p.Met204Lys (NM_001013257.2); short protein forms M204K.
Identifiers: ClinVar variation 3060945 (VCV003060945.2), dbSNP rs28399656, ClinGen allele CA9504473.